The following is an entry in ClinVar:

NM_001370259.2(MEN1):c.691G>C (p.Asp231His)

Gene: MEN1 (menin 1; minus strand). Cytogenetic location: 11q13.1.
Variant type: single nucleotide variant.
Coding change: c.691G>C on transcript NM_001370259.2 (MANE Select); coding-DNA position 691, G replaced by C.
Protein change: p.Asp231His; replaces aspartic acid 231 with histidine.
Molecular consequence: missense variant.
Genome position (GRCh38, 1-based): chr11:64,807,644, C>G on the plus strand (G>C on the coding strand, the complement: MEN1 is on the minus strand). VCF-style: chr11-64807644-C-G. GRCh37 (hg19) VCF-style: chr11-64575116-C-G.
Other names: c.706G>C, p.Asp236His (NM_000244.4, NM_130800.3, NM_130801.3 and 3 more transcripts); c.691G>C, p.Asp231His (NM_001370251.2, NM_001370260.2, NM_001370261.2 and 1 more transcripts); c.586G>C, p.Asp196His (NM_001370262.2, NM_001370263.2); short protein forms D231H, D196H, D236H.
Identifiers: ClinVar variation 852290 (VCV000852290.16), dbSNP rs1941827572, ClinGen allele CA381184640.
Genomic context (GRCh38, chr11:64,807,644, plus strand): 5'-TGTGCAGGTCAATGGAAGGGTTGATGGCACACACCATGAACGCCACCTCCATCTTGCGGT[C>G]ACAGCGCATGTATGATCCTTTCAGGTACAGCCAGCTCTTAGGGGGGGATGAGATCATTAT-3'
Protein context (NP_001357188.2, residues 221-241): LYLKGSYMRC[Asp231His]RKMEVAFMVC

ClinVar aggregate classification (germline): Uncertain significance. Review status: criteria provided, multiple submitters, no conflicts (2 of 4 stars). 3 submissions from 3 submitters: Uncertain significance (3). Last evaluated 2026-03-03.

Conditions:
Multiple endocrine neoplasia, type 1 (MEN1). Also called: Endocrine adenomatosis multiple; MEN 1; MEN I; WERMER SYNDROME; MEA I. Identifiers: Orphanet 652, MedGen C0025267, MeSH D018761, MONDO:0007540, OMIM 131100.
Hereditary cancer-predisposing syndrome. Also called: Hereditary Cancer Syndrome; Tumor predisposition; Neoplastic Syndromes, Hereditary; Hereditary neoplastic syndrome. Identifiers: Orphanet 140162, MedGen C0027672, MeSH D009386, MONDO:0015356.

Allele frequency attached by ClinVar (database versions not stated): gnomAD exomes 0.00001.
gnomAD v4.1: 10 of 1,614,176 alleles (0.00062%); highest among the groups gnomAD compares: Non-Finnish European, 0.00085%; no homozygotes.

Submissions (3):

Ambry Genetics
Classification: Uncertain significance for Hereditary cancer-predisposing syndrome. Last evaluated: 2026-03-03. Review status: criteria provided, single submitter. Criteria: Ambry Variant Classification Scheme 2023. Collection method: clinical testing. Allele origin: germline.
Comment: The p.D231H variant (also known as c.691G>C), located in coding exon 3 of the MEN1 gene, results from a G to C substitution at nucleotide position 691. The aspartic acid at codon 231 is replaced by histidine, an amino acid with similar properties. This amino acid position is well conserved in available vertebrate species. In addition, this alteration is predicted to be deleterious by in silico analysis. Based on the available evidence, the clinical significance of this variant remains unclear.

Labcorp Genetics (formerly Invitae), Labcorp
Classification: Uncertain significance for Multiple endocrine neoplasia, type 1. Last evaluated: 2025-06-30. Review status: criteria provided, single submitter. Criteria: Invitae Variant Classification Sherloc (09022015). Collection method: clinical testing. Allele origin: germline.
Comment: This sequence change replaces aspartic acid, which is acidic and polar, with histidine, which is basic and polar, at codon 231 of the MEN1 protein (p.Asp231His). This variant is not present in population databases (gnomAD no frequency). This missense change has been observed in individual(s) with clinical features of multiple endocrine neoplasia type 1 (PMID: 23321498). ClinVar contains an entry for this variant (Variation ID: 852290). Invitae Evidence Modeling of protein sequence and biophysical properties (such as structural, functional, and spatial information, amino acid conservation, physicochemical variation, residue mobility, and thermodynamic stability) indicates that this missense variant is expected to disrupt MEN1 protein function with a positive predictive value of 95%. In summary, the available evidence is currently insufficient to determine the role of this variant in disease. Therefore, it has been classified as a Variant of Uncertain Significance.

Baylor Genetics
Classification: Uncertain significance for Multiple Endocrine Neoplasia Type 1. Last evaluated: 2023-09-04. Review status: criteria provided, single submitter. Criteria: ACMG Guidelines, 2015. Collection method: clinical testing. Allele origin: unknown.

Literature cited by the submitters: PubMed 23321498 (cited by Ambry Genetics and Labcorp Genetics (formerly Invitae), Labcorp); PubMed 30869828 (cited by Ambry Genetics).